The following is an entry in ClinVar:

ClinVar aggregate classification (germline): Benign/Likely benign. Review status: criteria provided, multiple submitters, no conflicts (2 of 4 stars). 12 submissions from 12 submitters: Benign (5); Likely benign (6). 1 of the submissions does not count toward it. Last evaluated 2026-01-21.

Conditions:
TSC1-related disorder. Also called: TSC1-related condition.
Hereditary cancer-predisposing syndrome. Also called: Tumor predisposition; Hereditary neoplastic syndrome; Hereditary Cancer Syndrome; Neoplastic Syndromes, Hereditary. Identifiers: Orphanet 140162, MedGen C0027672, MeSH D009386, MONDO:0015356.
Lymphangiomyomatosis (LAM). Also called: Lymphangioleiomyomatosis, somatic; Lymphangioleiomyomatosis. Identifiers: Orphanet 538, MedGen C0751674, MONDO:0011705, OMIM 606690.
Isolated focal cortical dysplasia type II (FCORD2). Also called: CORTICAL DYSPLASIA OF TAYLOR; Focal cortical dysplasia type II. Identifiers: Orphanet 268994, MedGen C1846385, MONDO:0011818, OMIM 607341, HP:0032051.
Tuberous sclerosis 1 (TSC1). Identifiers: Orphanet 805, MedGen C1854465, MONDO:0008612, OMIM 191100.
Tuberous sclerosis syndrome (TSC). Also called: Tuberous Sclerosis Complex; Tuberous sclerosis. Identifiers: Orphanet 805, MedGen C0041341, MONDO:0001734.

Allele frequency attached by ClinVar (database versions not stated): TOPMed 0.00002; gnomAD 0.00003 and 0.00004; ESP Exome Variant Server 0.00015.
gnomAD v4.1: 97 of 1,614,024 alleles (0.006%); highest among the groups gnomAD compares: Middle Eastern, 0.017%; no homozygotes.

Submissions (12):

Labcorp Genetics (formerly Invitae), Labcorp
Classification: Benign for Tuberous sclerosis 1. Last evaluated: 2026-01-21. Review status: criteria provided, single submitter. Criteria: Invitae Variant Classification Sherloc (09022015). Collection method: clinical testing. Allele origin: germline.

Myriad Genetics, Inc.
Classification: Benign for Tuberous sclerosis 1. Last evaluated: 2025-04-10. Review status: criteria provided, single submitter. Criteria: Myriad Autosomal Dominant, Autosomal Recessive and X-Linked Classification Criteria (2023). Collection method: clinical testing. Allele origin: unknown.
Comment: This variant is considered benign. This variant is a silent/synonymous amino acid change and it is not expected to impact splicing.

CeGaT Center for Human Genetics Tuebingen
Classification: Likely benign. Last evaluated: 2024-09-01. Review status: criteria provided, single submitter. Criteria: CeGaT Center For Human Genetics Tuebingen Variant Classification Criteria Version 2. Collection method: clinical testing. Allele origin: germline. Affected: yes. Observed: 1 variant allele.
Comment: TSC1: BP4, BP7

Blueprint Genetics
Classification: Likely benign. Last evaluated: 2024-03-22. Review status: criteria provided, single submitter. Criteria: ACMG Guidelines, 2015. Collection method: clinical testing. Allele origin: germline.

All of Us Research Program, National Institutes of Health
Classification: Benign for Tuberous sclerosis syndrome. Last evaluated: 2024-01-03. Review status: criteria provided, single submitter. Criteria: ACMG Guidelines, 2015. Collection method: clinical testing. Allele origin: germline. Inheritance: Autosomal dominant inheritance. Observed: 14 variant alleles, 14 heterozygotes.
Comment: This study involves interpretation of variants in research participants for the purpose of population health screening. Participant phenotype was not available at the time of variant classification. Additional details can be found in publication PMID: 35346344, PMCID: PMC8962531

Color Diagnostics, LLC DBA Color Health
Classification: Benign for Tuberous sclerosis syndrome. Last evaluated: 2022-10-20. Review status: criteria provided, single submitter. Criteria: ACMG Guidelines, 2015. Collection method: clinical testing. Allele origin: germline.

Fulgent Genetics
Classification: Likely benign for Tuberous sclerosis 1; Lymphangiomyomatosis; Isolated focal cortical dysplasia type II. Last evaluated: 2022-04-05. Review status: criteria provided, single submitter. Criteria: ACMG Guidelines, 2015. Collection method: clinical testing. Allele origin: unknown.

Genome-Nilou Lab
Classification: Benign for Tuberous sclerosis 1. Last evaluated: 2021-11-07. Review status: criteria provided, single submitter. Criteria: ACMG Guidelines, 2015. Collection method: clinical testing. Allele origin: germline. Affected: no.

GeneDx
Classification: Likely benign. Last evaluated: 2020-01-14. Review status: criteria provided, single submitter. Criteria: GeneDx Variant Classification Process June 2021. Collection method: clinical testing. Allele origin: germline. Affected: yes.

ARUP Laboratories, Molecular Genetics and Genomics, ARUP Laboratories
Classification: Likely benign. Last evaluated: 2019-12-18. Review status: criteria provided, single submitter. Criteria: ARUP Molecular Germline Variant Investigation Process. Collection method: clinical testing. Allele origin: germline.

Ambry Genetics
Classification: Likely benign for Hereditary cancer-predisposing syndrome. Last evaluated: 2016-09-06. Review status: criteria provided, single submitter. Criteria: Ambry Variant Classification Scheme 2023. Collection method: clinical testing. Allele origin: germline.

PreventionGenetics, part of Exact Sciences
Classification: Likely benign for TSC1-related condition. Last evaluated: 2022-03-28. Review status: no assertion criteria provided. Collection method: clinical testing. Allele origin: germline. Not counted in ClinVar's aggregate classification.
Comment: This variant is classified as likely benign based on ACMG/AMP sequence variant interpretation guidelines (Richards et al. 2015 PMID: 25741868, with internal and published modifications).

NM_000368.5(TSC1):c.1974C>T (p.Asp658=)

Gene: TSC1 (TSC complex subunit 1; minus strand). Cytogenetic location: 9q34.13.
Variant type: single nucleotide variant.
Coding change: c.1974C>T on transcript NM_000368.5 (MANE Select); coding-DNA position 1974, C replaced by T.
Protein change: p.Asp658=; no amino-acid change (aspartic acid 658 retained).
Molecular consequence: synonymous variant.
Genome position (GRCh38, 1-based): chr9:132,905,604, G>A on the plus strand (C>T on the coding strand, the complement: TSC1 is on the minus strand). VCF-style: chr9-132905604-G-A. GRCh37 (hg19) VCF-style: chr9-135780991-G-A.
Other names: c.1971C>T, p.Asp657= (NM_001162426.2); c.1821C>T, p.Asp607= (NM_001162427.2); c.1611C>T, p.Asp537= (NM_001362177.2).
Identifiers: ClinVar variation 416684 (VCV000416684.46), dbSNP rs118203608, ClinGen allele CA030293.
Genomic context (GRCh38, chr9:132,905,604, plus strand): 5'-ACCATTTAACACAGAAGAGAGTGCCCCAGTCCCTTACTTGTTCAGCTCCTTGCTGTGCGC[G>A]TCTGCTCCCTGCTGTATCAGTCTGTCCAGCACTTCCATTGGGGAGGTAGAGGGCACACCA-3'
Protein context (NP_000359.1, residues 648-668): VLDRLIQQGA[Asp658=]AHSKELNKLP